The following is an entry in ClinVar:

ClinVar aggregate classification (germline): Uncertain significance (1 of 4 stars; one submission).

Conditions:
Cardiovascular phenotype. Identifiers: MedGen CN230736.

gnomAD v4.1: 4 of 1,614,120 alleles (0.00025%); highest among the groups gnomAD compares: Non-Finnish European, 0.00017%; no homozygotes.

Submission:

Ambry Genetics
Classification: Uncertain significance for Cardiovascular phenotype. Last evaluated: 2026-03-19. Review status: criteria provided, single submitter. Criteria: Ambry Variant Classification Scheme 2023. Collection method: clinical testing. Allele origin: germline.
Comment: The p.P2027S variant (also known as c.6079C>T), located in coding exon 26 of the APOB gene, results from a C to T substitution at nucleotide position 6079. The proline at codon 2027 is replaced by serine, an amino acid with similar properties. This amino acid position is conserved. In addition, this alteration is predicted to be tolerated by in silico analysis. Based on the available evidence, the clinical significance of this variant remains unclear.

NM_000384.3(APOB):c.6079C>T (p.Pro2027Ser)

Gene: APOB (apolipoprotein B; minus strand). Cytogenetic location: 2p24.1.
Variant type: single nucleotide variant.
Coding change: c.6079C>T on transcript NM_000384.3 (MANE Select); coding-DNA position 6079, C replaced by T.
Protein change: p.Pro2027Ser; replaces proline 2027 with serine.
Molecular consequence: missense variant.
Genome position (GRCh38, 1-based): chr2:21,010,789, G>A on the plus strand (C>T on the coding strand, the complement: APOB is on the minus strand). VCF-style: chr2-21010789-G-A. GRCh37 (hg19) VCF-style: chr2-21233661-G-A.
Other names: short protein forms P2027S.
Identifiers: ClinVar variation 4862430 (VCV004862430.1).